The following is an entry in ClinVar:

NM_016188.5(ACTL6B):c.136G>A (p.Ala46Thr)

Gene: ACTL6B (actin like 6B; minus strand). Cytogenetic location: 7q22.1.
Variant type: single nucleotide variant.
Coding change: c.136G>A on transcript NM_016188.5 (MANE Select); coding-DNA position 136, G replaced by A.
Protein change: p.Ala46Thr; replaces alanine 46 with threonine.
Molecular consequence: missense variant. On other transcripts: non-coding transcript variant (1).
Genome position (GRCh38, 1-based): chr7:100,655,553, C>T on the plus strand (G>A on the coding strand, the complement: ACTL6B is on the minus strand). VCF-style: chr7-100655553-C-T. GRCh37 (hg19) VCF-style: chr7-100253176-C-T.
Other names: short protein forms A46T.
Identifiers: ClinVar variation 4881325 (VCV004881325.2).

ClinVar aggregate classification (germline): Uncertain significance (1 of 4 stars; one submission).

Conditions:
Intellectual developmental disorder with severe speech and ambulation defects. Identifiers: MedGen C5193115, MONDO:0032770, OMIM 618470.

Submission:

Dasa
Classification: Uncertain significance for Intellectual developmental disorder with severe speech and ambulation defects. Last evaluated: 2025-10-22. Review status: criteria provided, single submitter. Criteria: DASA Assertion Criteria. Collection method: clinical testing. Allele origin: germline.
Comment: NM_016188.5(ACTL6B):c.136G>A (p.Ala46Thr) is a missense variant that results in the substitution of alanine with threonine. This variant is rare in population databases. The currently available literature and clinical evidence are not sufficient to establish a definitive association between this variant and the reported condition. Therefore, this variant is classified as a variant of uncertain significance.